The following is an entry in ClinVar:

ClinVar aggregate classification (germline): Uncertain significance (1 of 4 stars; one submission).

Submission:

Labcorp Genetics (formerly Invitae), Labcorp
Classification: Uncertain significance. Last evaluated: 2025-07-09. Review status: criteria provided, single submitter. Criteria: Invitae Variant Classification Sherloc (09022015). Collection method: clinical testing. Allele origin: germline.
Comment: This sequence change falls in intron 1 of the KLF10 gene. It does not directly change the encoded amino acid sequence of the KLF10 protein. It affects a nucleotide within the consensus splice site. This variant is not present in population databases (gnomAD no frequency). This variant has not been reported in the literature in individuals affected with KLF10-related conditions. Variants that disrupt the consensus splice site are a relatively common cause of aberrant splicing (PMID: 17576681, 9536098). Algorithms developed to predict the effect of sequence changes on RNA splicing suggest that this variant may disrupt the consensus splice site. In summary, the available evidence is currently insufficient to determine the role of this variant in disease. Therefore, it has been classified as a Variant of Uncertain Significance.

Literature cited by the submitters: PubMed 17576681; PubMed 9536098.

NM_005655.4(KLF10):c.36+3_36+4del

Gene: KLF10 (KLF transcription factor 10; minus strand). Cytogenetic location: 8q22.3.
Variant type: Deletion.
Coding change: c.36+3_36+4del on transcript NM_005655.4 (MANE Select); bases 3 to 4 of the intron after coding-DNA position 36, 2 bases deleted (AA; older notation c.36+3_36+4delAA).
Molecular consequence: intron variant.
Genome position (GRCh38, 1-based): chr8:102,655,562-102,655,563, TT deleted on the plus strand (AA on the coding strand, the reverse complement: KLF10 is on the minus strand). VCF-style (leftmost placement, unchanged base first): chr8-102655561-CTT-C. GRCh37 (hg19) VCF-style: chr8-103667789-CTT-C.
Identifiers: ClinVar variation 4806717 (VCV004806717.1).